The following is an entry in ClinVar:

ClinVar aggregate classification (germline): Uncertain significance (0 of 4 stars; one submission).

Conditions:
SFTPC-related disorder. Also called: SFTPC-related condition.

gnomAD v4.1: 2 of 1,611,708 alleles (0.00012%); highest among the groups gnomAD compares: Non-Finnish European, 0.00017%; no homozygotes.

Submission:

PreventionGenetics, part of Exact Sciences
Classification: Uncertain significance for SFTPC-related condition. Last evaluated: 2024-07-06. Review status: no assertion criteria provided. Collection method: clinical testing. Allele origin: germline.
Comment: The SFTPC c.*9C>T variant is located in the 3' untranslated region. This variant is predicted to interfere with splicing based on computational modeling; however, this variant has not been functionally validated (SpliceAI, Jaganathan et al. 2019. PubMed ID: 30661751). To our knowledge, this variant has not been reported in the literature or in a large population database, indicating this variant is rare. At this time, the clinical significance of this variant is uncertain due to the absence of conclusive functional and genetic evidence.

NM_001317778.2(SFTPC):c.*9C>T

Gene: SFTPC (surfactant protein C; plus strand). Cytogenetic location: 8p21.3.
Variant type: single nucleotide variant.
Coding change: c.*9C>T on transcript NM_001317778.2 (MANE Select); 9 bases downstream of the stop codon, C replaced by T.
Molecular consequence: 3 prime UTR variant.
Genome position (GRCh38, 1-based): chr8:22,164,050, C>T. VCF-style: chr8-22164050-C-T. GRCh37 (hg19) VCF-style: chr8-22021563-C-T.
Other names: c.*9C>T (NM_001172357.2, NM_001172410.2, NM_001317779.2 and 10 more transcripts).
Identifiers: ClinVar variation 3344382 (VCV003344382.1).